The following is an entry in ClinVar:

ClinVar aggregate classification (germline): Conflicting classifications of pathogenicity. Review status: criteria provided, conflicting classifications (1 of 4 stars). 3 submissions from 3 submitters: Uncertain significance (1); Likely benign (1). 1 of the submissions does not count toward it. Last evaluated 2024-10-02.

Conditions:
PRDM16-related disorder. Also called: PRDM16-related condition.

Allele frequency attached by ClinVar (database versions not stated): gnomAD exomes 0.00001.
gnomAD v4.1: 10 of 1,601,522 alleles (0.00062%); highest among the groups gnomAD compares: Non-Finnish European, 0.00085%; no homozygotes.

Submissions (3):

Blueprint Genetics
Classification: Likely benign. Last evaluated: 2024-10-02. Review status: criteria provided, single submitter. Criteria: ACMG Guidelines, 2015. Collection method: clinical testing. Allele origin: germline.

Laboratory for Molecular Medicine, Mass General Brigham Personalized Medicine
Classification: Uncertain significance. Last evaluated: 2016-01-26. Review status: criteria provided, single submitter. Criteria: LMM Criteria. Collection method: clinical testing. Allele origin: germline. Observed: 2 variant alleles.
Comment: The p.Asp626Val variant in PRDM16 has not been previously reported in individual s with cardiomyopathy or in large population studies. Computational prediction t ools and conservation analysis suggest that the p.Asp626Val variant may impact t he protein, though this information is not predictive enough to determine pathog enicity. In summary, the clinical significance of the p.Asp626Val variant is unc ertain.

PreventionGenetics, part of Exact Sciences
Classification: Uncertain significance for PRDM16-related condition. Last evaluated: 2024-01-12. Review status: no assertion criteria provided. Collection method: clinical testing. Allele origin: germline. Not counted in ClinVar's aggregate classification.
Comment: The PRDM16 c.1877A>T variant is predicted to result in the amino acid substitution p.Asp626Val. To our knowledge, this variant has not been reported in the literature. This variant is reported in 0.0028% of alleles in individuals of European (Non-Finnish) descent in gnomAD. At this time, the clinical significance of this variant is uncertain due to the absence of conclusive functional and genetic evidence.

NM_022114.4(PRDM16):c.1877A>T (p.Asp626Val)

Gene: PRDM16 (PR/SET domain 16; plus strand). Cytogenetic location: 1p36.32.
Variant type: single nucleotide variant.
Coding change: c.1877A>T on transcript NM_022114.4 (MANE Select); coding-DNA position 1877, A replaced by T.
Protein change: p.Asp626Val; replaces aspartic acid 626 with valine.
Molecular consequence: missense variant.
Genome position (GRCh38, 1-based): chr1:3,412,074, A>T. VCF-style: chr1-3412074-A-T. GRCh37 (hg19) VCF-style: chr1-3328638-A-T.
Other names: c.1877A>T, p.Asp626Val (NM_199454.3); short protein forms D626V.
Identifiers: ClinVar variation 229159 (VCV000229159.8), dbSNP rs876657958, ClinGen allele CA10576419.